The following is an entry in ClinVar:

NC_000001.10:g.(?_63836639)_(63902701_?)del

Gene: ALG6 (ALG6 alpha-1,3-glucosyltransferase; plus strand). Cytogenetic location: 1p31.3.
Variant type: Deletion.
Identifiers: ClinVar variation 2425852 (VCV002425852.4).

ClinVar aggregate classification (germline): Pathogenic (1 of 4 stars; one submission).

Conditions:
ALG6-congenital disorder of glycosylation 1C (CDG1C). Also called: CARBOHYDRATE-DEFICIENT GLYCOPROTEIN SYNDROME, TYPE I, WITH DEFICIENT GLYCOSYLATION OF DOLICHOL-LINKED OLIGOSACCHARIDE; CARBOHYDRATE-DEFICIENT GLYCOPROTEIN SYNDROME, TYPE V; Congenital disorder of glycosylation type 1C; CDG Ic; Congenital disorder of glycosylation, type Ic. Identifiers: Orphanet 79320, MedGen C2930997, MONDO:0011291, OMIM 603147.

Submission:

Labcorp Genetics (formerly Invitae), Labcorp
Classification: Pathogenic for ALG6-congenital disorder of glycosylation 1C. Last evaluated: 2021-10-27. Review status: criteria provided, single submitter. Criteria: Invitae Variant Classification Sherloc (09022015). Collection method: clinical testing. Allele origin: germline.
Comment: A gross deletion of the genomic region encompassing the full coding sequence of the ALG6 gene has been identified. Loss-of-function variants in ALG6 are known to be pathogenic (PMID: 19862844). The boundaries of this event are unknown as they extend beyond the assayed region for this gene and therefore may encompass additional genes. For these reasons, this variant has been classified as Pathogenic. This variant has not been reported in the literature in individuals affected with ALG6-related conditions.

Literature cited by the submitters: PubMed 19862844.